The following is an entry in ClinVar:

ClinVar aggregate classification (germline): Uncertain significance (1 of 4 stars; one submission).

gnomAD v4.1: 1 of 1,612,640 alleles (0.000062%); highest among the groups gnomAD compares: Non-Finnish European, 0.000085%; no homozygotes.

Submission:

Women's Health and Genetics/Laboratory Corporation of America, LabCorp
Classification: Uncertain significance. Last evaluated: 2025-07-22. Review status: criteria provided, single submitter. Criteria: LabCorp Variant Classification Summary - May 2015. Collection method: clinical testing. Allele origin: germline.
Comment: Variant summary: NPC1 c.2186G>A (p.Gly729Glu) results in a non-conservative amino acid change in the encoded protein sequence. Algorithms developed to predict the effect of missense changes on protein structure and function all suggest that this variant is likely to be disruptive. The variant was absent in 251178 control chromosomes. The available data on variant occurrences in the general population are insufficient to allow any conclusion about variant significance. c.2186G>A has been observed in an individual affected with Niemann-Pick Disease Type C (Takamura_2013). These data do not allow any conclusion about variant significance. To our knowledge, no experimental evidence demonstrating an impact on protein function has been reported. The following publications have been ascertained in the context of this evaluation (PMID: 28830896, 24001525). No submitters have cited clinical-significance assessments for this variant to ClinVar. Based on the evidence outlined above, the variant was classified as uncertain significance.

Literature cited by the submitters: PubMed 24001525; PubMed 28830896.

NM_000271.5(NPC1):c.2186G>A (p.Gly729Glu)

Gene: NPC1 (NPC intracellular cholesterol transporter 1; minus strand). Cytogenetic location: 18q11.2.
Variant type: single nucleotide variant.
Coding change: c.2186G>A on transcript NM_000271.5 (MANE Select); coding-DNA position 2186, G replaced by A.
Protein change: p.Gly729Glu; replaces glycine 729 with glutamic acid.
Molecular consequence: missense variant.
Genome position (GRCh38, 1-based): chr18:23,543,514, C>T on the plus strand (G>A on the coding strand, the complement: NPC1 is on the minus strand). VCF-style: chr18-23543514-C-T. GRCh37 (hg19) VCF-style: chr18-21123478-C-T.
Other names: short protein forms G729E.
Identifiers: ClinVar variation 4526276 (VCV004526276.1).
Genomic context (GRCh38, chr18:23,543,514, plus strand): 5'-CCTAAGAAAAATGCTACAGTCTCAGAAAAGGATGACAGGAACATACTGGGAGCCACTTCT[C>T]CTAGGACCCTGCCCAGCTGCTGATCCAGGGTTTCCCCTTGAAGACGTTCATCTCTCTTAA-3'
Protein context (NP_000262.2, residues 719-739): TLDQQLGRVL[Gly729Glu]EVAPSMFLSS